The following is an entry in ClinVar:

ClinVar aggregate classification (germline): Uncertain significance (1 of 4 stars; one submission).

Allele frequency attached by ClinVar (database versions not stated): gnomAD exomes below 0.00001; gnomAD 0.00001.

Submission:

Labcorp Genetics (formerly Invitae), Labcorp
Classification: Uncertain significance. Last evaluated: 2022-02-20. Review status: criteria provided, single submitter. Criteria: Invitae Variant Classification Sherloc (09022015). Collection method: clinical testing. Allele origin: germline.
Comment: In summary, the available evidence is currently insufficient to determine the role of this variant in disease. Therefore, it has been classified as a Variant of Uncertain Significance. Algorithms developed to predict the effect of missense changes on protein structure and function are either unavailable or do not agree on the potential impact of this missense change (SIFT: "Deleterious"; PolyPhen-2: "Benign"; Align-GVGD: "Class C65"). This variant has not been reported in the literature in individuals affected with NBAS-related conditions. This variant is not present in population databases (gnomAD no frequency). This sequence change replaces isoleucine, which is neutral and non-polar, with threonine, which is neutral and polar, at codon 187 of the NBAS protein (p.Ile187Thr).

NM_015909.4(NBAS):c.560T>C (p.Ile187Thr)

Gene: NBAS (NBAS subunit of NRZ tethering complex; minus strand). Cytogenetic location: 2p24.3.
Variant type: single nucleotide variant.
Coding change: c.560T>C on transcript NM_015909.4 (MANE Select); coding-DNA position 560, T replaced by C.
Protein change: p.Ile187Thr; replaces isoleucine 187 with threonine.
Molecular consequence: missense variant. On other transcripts: non-coding transcript variant (1).
Genome position (GRCh38, 1-based): chr2:15,536,505, A>G on the plus strand (T>C on the coding strand, the complement: NBAS is on the minus strand). VCF-style: chr2-15536505-A-G. GRCh37 (hg19) VCF-style: chr2-15676629-A-G.
Other names: short protein forms I187T.
Identifiers: ClinVar variation 1487910 (VCV001487910.6), dbSNP rs542652604, ClinGen allele CA42648748.